The following is an entry in ClinVar:

ClinVar aggregate classification (germline): Pathogenic (1 of 4 stars; one submission).

Conditions:
Hereditary spastic paraplegia 11. Also called: SPASTIC PARAPLEGIA, AUTOSOMAL RECESSIVE, COMPLICATED, WITH THIN CORPUS CALLOSUM; SPASTIC PARAPLEGIA, AUTOSOMAL RECESSIVE, WITH MENTAL IMPAIRMENT AND THIN CORPUS CALLOSUM; Spastic Paraplegia 11; Spastic paraplegia, mental retardation and thin corpus callosum; Nakamura Osame syndrome; Autosomal recessive hereditary spastic paraplegia, mental impairment, and thin corpus callosum. Identifiers: Orphanet 2822, MedGen C1858479, MONDO:0011445, OMIM 604360.

Submission:

Labcorp Genetics (formerly Invitae), Labcorp
Classification: Pathogenic for Hereditary spastic paraplegia 11. Last evaluated: 2023-12-10. Review status: criteria provided, single submitter. Criteria: Invitae Variant Classification Sherloc (09022015). Collection method: clinical testing. Allele origin: germline.
Comment: This sequence change creates a premature translational stop signal (p.Val274Cysfs*11) in the SPG11 gene. It is expected to result in an absent or disrupted protein product. Loss-of-function variants in SPG11 are known to be pathogenic (PMID: 19105190, 20110243, 22154821, 26556829). This variant is not present in population databases (gnomAD no frequency). This variant has not been reported in the literature in individuals affected with SPG11-related conditions. For these reasons, this variant has been classified as Pathogenic.

Literature cited by the submitters: PubMed 19105190; PubMed 20110243; PubMed 22154821; PubMed 26556829.

NM_025137.4(SPG11):c.819dup (p.Val274fs)

Gene: SPG11 (SPG11 vesicle trafficking associated, spatacsin; minus strand). Cytogenetic location: 15q21.1.
Variant type: Duplication.
Coding change: c.819dup on transcript NM_025137.4 (MANE Select); coding-DNA position 819, one base duplicated (T; older notation c.819dupT).
Protein change: p.Val274fs; shifts the reading frame from valine 274.
Molecular consequence: frameshift variant.
Genome position (GRCh38, 1-based): chr15:44,657,145, A duplicated on the plus strand (T on the coding strand, the reverse complement: SPG11 is on the minus strand); the first of 2 consecutive A bases (chr15:44,657,145-44,657,146); duplicating either gives the same sequence. VCF-style (leftmost placement, unchanged base first): chr15-44657144-C-CA. GRCh37 (hg19) VCF-style: chr15-44949342-C-CA.
Other names: c.819dup, p.Val274fs (NM_001160227.2, NM_001411132.1); short protein forms V274fs.
Identifiers: ClinVar variation 2702076 (VCV002702076.3), dbSNP rs2505758285, ClinGen allele CA2697554444.